The following is an entry in ClinVar:

NM_006393.3(NEBL):c.2600A>G (p.His867Arg)

Gene: NEBL (nebulette; minus strand). Cytogenetic location: 10p12.31.
Variant type: single nucleotide variant.
Coding change: c.2600A>G on transcript NM_006393.3 (MANE Select); coding-DNA position 2600, A replaced by G.
Protein change: p.His867Arg; replaces histidine 867 with arginine.
Molecular consequence: missense variant. On other transcripts: intron variant (8).
Genome position (GRCh38, 1-based): chr10:20,809,817, T>C on the plus strand (A>G on the coding strand, the complement: NEBL is on the minus strand). VCF-style: chr10-20809817-T-C. GRCh37 (hg19) VCF-style: chr10-21098746-T-C.
Other names: c.611A>G, p.His204Arg (NM_001377322.1); c.421+2952A>G (NM_001377326.1, NM_001377327.1, NM_001377328.1); c.529+2952A>G (NM_213569.2, NM_001173484.2); c.472+2952A>G (NM_001377324.1); c.463+2952A>G (NM_001377325.1); c.481+2952A>G (NM_001377323.1); short protein forms H867R, H204R.
Identifiers: ClinVar variation 3878630 (VCV003878630.1).

ClinVar aggregate classification (germline): Uncertain significance (1 of 4 stars; one submission).

gnomAD v4.1: 1 of 1,608,658 alleles (0.000062%); highest among the groups gnomAD compares: Non-Finnish European, 0.000085%; no homozygotes.

Submission:

Ambry Genetics
Classification: Uncertain significance. Last evaluated: 2025-03-09. Review status: criteria provided, single submitter. Criteria: Ambry Variant Classification Scheme 2023. Collection method: clinical testing. Allele origin: germline.
Comment: The p.H867R variant (also known as c.2600A>G), located in coding exon 25 of the NEBL gene, results from an A to G substitution at nucleotide position 2600. The histidine at codon 867 is replaced by arginine, an amino acid with highly similar properties. This amino acid position is conserved. In addition, this alteration is predicted to be tolerated by in silico analysis. Based on the available evidence, the clinical significance of this variant remains unclear.